The following is an entry in ClinVar:

ClinVar aggregate classification (germline): Uncertain significance. Review status: criteria provided, multiple submitters, no conflicts (2 of 4 stars). 2 submissions from 2 submitters: Uncertain significance (2). Last evaluated 2025-09-17.

Conditions:
Hereditary cancer-predisposing syndrome. Also called: Hereditary Cancer Syndrome; Hereditary neoplastic syndrome; Neoplastic Syndromes, Hereditary; Tumor predisposition. Identifiers: Orphanet 140162, MedGen C0027672, MeSH D009386, MONDO:0015356.

Allele frequency attached by ClinVar (database versions not stated): gnomAD exomes below 0.00001; gnomAD 0.00001; ExAC 0.00003; 1000 Genomes Project 30x 0.00031; 1000 Genomes Project 0.00040.
gnomAD v4.1: 6 of 1,581,098 alleles (0.00038%); highest among the groups gnomAD compares: South Asian, 0.0057%; no homozygotes.

Submissions (2):

Ambry Genetics
Classification: Uncertain significance for Hereditary cancer-predisposing syndrome. Last evaluated: 2025-09-17. Review status: criteria provided, single submitter. Criteria: Ambry Variant Classification Scheme 2023. Collection method: clinical testing. Allele origin: germline.
Comment: The p.A45T variant (also known as c.133G>A), located in coding exon 1 of the NTHL1 gene, results from a G to A substitution at nucleotide position 133. The alanine at codon 45 is replaced by threonine, an amino acid with similar properties. This amino acid position is conserved. In addition, this alteration is predicted to be tolerated by in silico analysis. Since supporting evidence is limited at this time, the clinical significance of this alteration remains unclear.

Labcorp Genetics (formerly Invitae), Labcorp
Classification: Uncertain significance. Last evaluated: 2024-07-25. Review status: criteria provided, single submitter. Criteria: Invitae Variant Classification Sherloc (09022015). Collection method: clinical testing. Allele origin: germline.
Comment: This sequence change replaces alanine, which is neutral and non-polar, with threonine, which is neutral and polar, at codon 45 of the NTHL1 protein (p.Ala45Thr). This variant is not present in population databases (gnomAD no frequency). This variant has not been reported in the literature in individuals affected with NTHL1-related conditions. ClinVar contains an entry for this variant (Variation ID: 1770331). An algorithm developed to predict the effect of missense changes on protein structure and function (PolyPhen-2) suggests that this variant is likely to be tolerated. In summary, the available evidence is currently insufficient to determine the role of this variant in disease. Therefore, it has been classified as a Variant of Uncertain Significance.

NM_002528.7(NTHL1):c.109G>A (p.Ala37Thr)

Gene: NTHL1 (nth like DNA glycosylase 1; minus strand). Cytogenetic location: 16p13.3.
Variant type: single nucleotide variant.
Coding change: c.109G>A on transcript NM_002528.7 (MANE Select); coding-DNA position 109, G replaced by A.
Protein change: p.Ala37Thr; replaces alanine 37 with threonine.
Molecular consequence: missense variant. On other transcripts: 5 prime UTR variant (1).
Genome position (GRCh38, 1-based): chr16:2,047,715, C>T on the plus strand (G>A on the coding strand, the complement: NTHL1 is on the minus strand). VCF-style: chr16-2047715-C-T. GRCh37 (hg19) VCF-style: chr16-2097716-C-T.
Other names: c.109G>A, p.Ala37Thr (NM_001318193.2); c.-70G>A (NM_001318194.2); short protein forms A37T.
Identifiers: ClinVar variation 1770331 (VCV001770331.6), dbSNP rs564610639, ClinGen allele CA027474.